The following is an entry in ClinVar:

NM_000392.5(ABCC2):c.2685C>T (p.Pro895=)

Genes: ABCC2 (ATP binding cassette subfamily C member 2; plus strand), LOC126861012 (BRD4-independent group 4 enhancer GRCh37_chr10:101589748-101590947; plus strand). Cytogenetic location: 10q24.2.
Variant type: single nucleotide variant.
Coding change: c.2685C>T on transcript NM_000392.5 (MANE Select); coding-DNA position 2685, C replaced by T.
Protein change: p.Pro895=; no amino-acid change (proline 895 retained).
Molecular consequence: synonymous variant.
Genome position (GRCh38, 1-based): chr10:99,830,371, C>T. VCF-style: chr10-99830371-C-T. GRCh37 (hg19) VCF-style: chr10-101590128-C-T.
Other names: c.2685C>T (NM_000392.4).
Identifiers: ClinVar variation 2955990 (VCV002955990.4), dbSNP rs201553035, ClinGen allele CA5643554.

ClinVar aggregate classification (germline): Likely benign. Review status: criteria provided, multiple submitters, no conflicts (2 of 4 stars). 2 submissions from 2 submitters: Likely benign (2). Last evaluated 2025-03-18.

Conditions:
ABCC2-related disorder. Also called: ABCC2-related condition.

Allele frequency attached by ClinVar (database versions not stated): TOPMed 0.00002; ExAC 0.00004; gnomAD 0.00006; gnomAD exomes 0.00006; 1000 Genomes Project 30x 0.00016; 1000 Genomes Project 0.00020.
gnomAD v4.1: 95 of 1,614,122 alleles (0.0059%); highest among the groups gnomAD compares: East Asian, 0.17%; no homozygotes.

Submissions (2):

PreventionGenetics, part of Exact Sciences
Classification: Likely benign for ABCC2-related condition. Last evaluated: 2025-03-18. Review status: criteria provided, single submitter. Criteria: ACMG Guidelines, 2015. Collection method: clinical testing. Allele origin: germline.
Comment: This variant is classified as likely benign based on ACMG/AMP sequence variant interpretation guidelines (Richards et al. 2015 PMID: 25741868, with internal and published modifications).

Labcorp Genetics (formerly Invitae), Labcorp
Classification: Likely benign. Last evaluated: 2024-03-01. Review status: criteria provided, single submitter. Criteria: Invitae Variant Classification Sherloc (09022015). Collection method: clinical testing. Allele origin: germline.